The following is an entry in ClinVar:

NM_005428.4(VAV1):c.2129+6T>G

Gene: VAV1 (vav guanine nucleotide exchange factor 1; plus strand). Cytogenetic location: 19p13.3.
Variant type: single nucleotide variant.
Coding change: c.2129+6T>G on transcript NM_005428.4 (MANE Select); 6 bases into the intron after coding-DNA position 2129, T replaced by G.
Molecular consequence: intron variant.
Genome position (GRCh38, 1-based): chr19:6,848,120, T>G. VCF-style: chr19-6848120-T-G. GRCh37 (hg19) VCF-style: chr19-6848131-T-G.
Other names: c.2063+6T>G (NM_001258206.2); c.2033+6T>G (NM_001258207.2).
Identifiers: ClinVar variation 2885318 (VCV002885318.3), dbSNP rs746273765, ClinGen allele CA9132849.

ClinVar aggregate classification (germline): Uncertain significance (1 of 4 stars; one submission).

Allele frequency attached by ClinVar (database versions not stated): ExAC 0.00004.
gnomAD v4.1: 6 of 1,545,174 alleles (0.00039%); highest among the groups gnomAD compares: Admixed American, 0.013%; no homozygotes.

Submission:

Labcorp Genetics (formerly Invitae), Labcorp
Classification: Uncertain significance. Last evaluated: 2026-01-19. Review status: criteria provided, single submitter. Criteria: Invitae Variant Classification Sherloc (09022015). Collection method: clinical testing. Allele origin: germline.
Comment: This sequence change falls in intron 23 of the VAV1 gene. It does not directly change the encoded amino acid sequence of the VAV1 protein. It affects a nucleotide within the consensus splice site. This variant is present in population databases (rs746273765, gnomAD 0.03%). This variant has not been reported in the literature in individuals affected with VAV1-related conditions. ClinVar contains an entry for this variant (Variation ID: 2885318). Variants that disrupt the consensus splice site are a relatively common cause of aberrant splicing (PMID: 17576681, 9536098). Algorithms developed to predict the effect of sequence changes on RNA splicing suggest that this variant is not likely to affect RNA splicing. In summary, the available evidence is currently insufficient to determine the role of this variant in disease. Therefore, it has been classified as a Variant of Uncertain Significance.

Literature cited by the submitters: PubMed 17576681; PubMed 9536098.